The following is an entry in ClinVar:

ClinVar aggregate classification (germline): Uncertain significance (1 of 4 stars; one submission).

Conditions:
Inborn genetic diseases. Identifiers: MedGen C0950123, MeSH D030342.

Submission:

Ambry Genetics
Classification: Uncertain significance for Inborn genetic diseases. Last evaluated: 2025-09-20. Review status: criteria provided, single submitter. Criteria: Ambry Variant Classification Scheme 2023. Collection method: clinical testing. Allele origin: germline.
Comment: The p.P630T variant (also known as c.1888C>A), located in coding exon 11 of the FANCM gene, results from a C to A substitution at nucleotide position 1888. The proline at codon 630 is replaced by threonine, an amino acid with highly similar properties. This amino acid position is conserved. In addition, this alteration is predicted to be deleterious by in silico analysis. Based on the available evidence, the clinical significance of this variant remains unclear.

NM_020937.4(FANCM):c.1888C>A (p.Pro630Thr)

Gene: FANCM (FA complementation group M; plus strand). Cytogenetic location: 14q21.2.
Variant type: single nucleotide variant.
Coding change: c.1888C>A on transcript NM_020937.4 (MANE Select); coding-DNA position 1888, C replaced by A.
Protein change: p.Pro630Thr; replaces proline 630 with threonine.
Molecular consequence: missense variant.
Genome position (GRCh38, 1-based): chr14:45,167,049, C>A. VCF-style: chr14-45167049-C-A. GRCh37 (hg19) VCF-style: chr14-45636252-C-A.
Other names: c.1810C>A, p.Pro604Thr (NM_001308133.2); c.1888C>A, p.Pro630Thr (NM_001308134.2); short protein forms P630T, P604T.
Identifiers: ClinVar variation 4619442 (VCV004619442.1).
Genomic context (GRCh38, chr14:45,167,049, plus strand): 5'-AAAGCTATTTCAAGTAACAGGCAGGTCCTTCATTTTTACCAAAGAAGTCCACGAATGGTT[C>A]CTGATGGAATCAACCCAAAATTACACAAAATGTTCATCACACATGGTGTCTATGAACCAG-3'
Protein context (NP_065988.1, residues 620-640): HFYQRSPRMV[Pro630Thr]DGINPKLHKM